The following is an entry in ClinVar:

ClinVar aggregate classification (germline): Likely pathogenic (1 of 4 stars; one submission).

Submission:

Labcorp Genetics (formerly Invitae), Labcorp
Classification: Likely pathogenic. Last evaluated: 2022-02-28. Review status: criteria provided, single submitter. Criteria: Invitae Variant Classification Sherloc (09022015). Collection method: clinical testing. Allele origin: germline.
Comment: In summary, the currently available evidence indicates that the variant is pathogenic, but additional data are needed to prove that conclusively. Therefore, this variant has been classified as Likely Pathogenic. This variant is not present in population databases (gnomAD no frequency). This variant has not been reported in the literature in individuals affected with MCM3AP-related conditions. Algorithms developed to predict the effect of sequence changes on RNA splicing suggest that this variant may disrupt the consensus splice site. This sequence change affects a donor splice site in intron 24 of the MCM3AP gene. It is expected to disrupt RNA splicing. Variants that disrupt the donor or acceptor splice site typically lead to a loss of protein function (PMID: 16199547), and loss-of-function variants in MCM3AP are known to be pathogenic (PMID: 28633435).

Literature cited by the submitters: PubMed 16199547; PubMed 28633435.

NM_003906.5(MCM3AP):c.5296+1G>A

Genes: MCM3AP (minichromosome maintenance complex component 3 associated protein; minus strand), MCM3AP-AS1 (MCM3AP antisense RNA 1; plus strand). Cytogenetic location: 21q22.3.
Variant type: single nucleotide variant.
Coding change: c.5296+1G>A on transcript NM_003906.5 (MANE Select); the canonical splice donor site of the intron after coding-DNA position 5296, G replaced by A.
Molecular consequence: splice donor variant.
Genome position (GRCh38, 1-based): chr21:46,243,464, C>T on the plus strand (G>A on the coding strand, the complement: MCM3AP is on the minus strand). VCF-style: chr21-46243464-C-T. GRCh37 (hg19) VCF-style: chr21-47663378-C-T.
Identifiers: ClinVar variation 2098417 (VCV002098417.4), dbSNP rs1005167452, ClinGen allele CA321977291.